The following is an entry in ClinVar:

NM_003680.4(YARS1):c.857A>G (p.Asn286Ser)

Genes: YARS1 (tyrosyl-tRNA synthetase 1; minus strand), LOC126805688 (BRD4-independent group 4 enhancer GRCh37_chr1:33251929-33253128; plus strand). Cytogenetic location: 1p35.1.
Variant type: single nucleotide variant.
Coding change: c.857A>G on transcript NM_003680.4 (MANE Select); coding-DNA position 857, A replaced by G.
Protein change: p.Asn286Ser; replaces asparagine 286 with serine.
Molecular consequence: missense variant.
Genome position (GRCh38, 1-based): chr1:32,786,411, T>C on the plus strand (A>G on the coding strand, the complement: YARS1 is on the minus strand). VCF-style: chr1-32786411-T-C. GRCh37 (hg19) VCF-style: chr1-33252012-T-C.
Other names: short protein forms N286S.
Identifiers: ClinVar variation 999654 (VCV000999654.7), dbSNP rs761748976, ClinGen allele CA745069.

ClinVar aggregate classification (germline): Uncertain significance (1 of 4 stars; one submission).

Conditions:
Charcot-Marie-Tooth disease dominant intermediate C (CMTDIC). Also called: CHARCOT-MARIE-TOOTH NEUROPATHY, DOMINANT INTERMEDIATE C. Identifiers: Orphanet 100045, MedGen C1842237, MONDO:0012012, OMIM 608323.

Allele frequency attached by ClinVar (database versions not stated): gnomAD exomes below 0.00001; ExAC 0.00001.

Submission:

Labcorp Genetics (formerly Invitae), Labcorp
Classification: Uncertain significance for Charcot-Marie-Tooth disease dominant intermediate C. Last evaluated: 2023-07-07. Review status: criteria provided, single submitter. Criteria: Invitae Variant Classification Sherloc (09022015). Collection method: clinical testing. Allele origin: germline.
Comment: This variant has not been reported in the literature in individuals affected with YARS-related conditions. This variant is present in population databases (rs761748976, gnomAD 0.006%). This sequence change replaces asparagine, which is neutral and polar, with serine, which is neutral and polar, at codon 286 of the YARS protein (p.Asn286Ser). ClinVar contains an entry for this variant (Variation ID: 999654). In summary, the available evidence is currently insufficient to determine the role of this variant in disease. Therefore, it has been classified as a Variant of Uncertain Significance. Advanced modeling of protein sequence and biophysical properties (such as structural, functional, and spatial information, amino acid conservation, physicochemical variation, residue mobility, and thermodynamic stability) performed at Invitae indicates that this missense variant is not expected to disrupt YARS protein function.